The following is an entry in ClinVar:

ClinVar aggregate classification (germline): Uncertain significance (1 of 4 stars; one submission).

Conditions:
Neuropathy, hereditary sensory and autonomic, type 2A (HSAN2A). Also called: MORVAN DISEASE; NEUROPATHY, CONGENITAL SENSORY; NEUROPATHY, HEREDITARY SENSORY RADICULAR, AUTOSOMAL RECESSIVE; NEUROPATHY, HEREDITARY SENSORY, TYPE IIA; NEUROPATHY, PROGRESSIVE SENSORY, OF CHILDREN; HSAN IIA. Identifiers: Orphanet 970, MedGen C2752089, MONDO:0024309, OMIM 201300.
Generalized epilepsy with febrile seizures plus, type 7 (GEFSP7). Also called: GEFS+, TYPE 7. Identifiers: Orphanet 36387, MedGen C2751778, MONDO:0013470, OMIM 613863.

Submission:

Labcorp Genetics (formerly Invitae), Labcorp
Classification: Uncertain significance for Neuropathy, hereditary sensory and autonomic, type 2A; Generalized epilepsy with febrile seizures plus, type 7. Last evaluated: 2023-12-09. Review status: criteria provided, single submitter. Criteria: Invitae Variant Classification Sherloc (09022015). Collection method: clinical testing. Allele origin: germline.
Comment: This sequence change replaces valine, which is neutral and non-polar, with leucine, which is neutral and non-polar, at codon 1316 of the SCN9A protein (p.Val1316Leu). This variant is not present in population databases (gnomAD no frequency). This missense change has been observed in individual(s) with clinical features of hereditary sensory and autonomic neuropathy (Invitae). Advanced modeling of protein sequence and biophysical properties (such as structural, functional, and spatial information, amino acid conservation, physicochemical variation, residue mobility, and thermodynamic stability) has been performed at Invitae for this missense variant, however the output from this modeling did not meet the statistical confidence thresholds required to predict the impact of this variant on SCN9A protein function. This variant disrupts the p.Val1316 amino acid residue in SCN9A. Other variant(s) that disrupt this residue have been observed in individuals with SCN9A-related conditions (PMID: 23383113; Invitae), which suggests that this may be a clinically significant amino acid residue. In summary, the available evidence is currently insufficient to determine the role of this variant in disease. Therefore, it has been classified as a Variant of Uncertain Significance.

Literature cited by the submitters: PubMed 23383113.

NM_001365536.1(SCN9A):c.3979G>T (p.Val1327Leu)

Genes: SCN9A (sodium voltage-gated channel alpha subunit 9; minus strand), SCN1A-AS1 (SCN1A and SCN9A antisense RNA 1; plus strand). Cytogenetic location: 2q24.3.
Variant type: single nucleotide variant.
Coding change: c.3979G>T on transcript NM_001365536.1 (MANE Select); coding-DNA position 3979, G replaced by T.
Protein change: p.Val1327Leu; replaces valine 1327 with leucine.
Molecular consequence: missense variant.
Genome position (GRCh38, 1-based): chr2:166,228,918, C>A on the plus strand (G>T on the coding strand, the complement: SCN9A is on the minus strand). VCF-style: chr2-166228918-C-A. GRCh37 (hg19) VCF-style: chr2-167085428-C-A.
Other names: c.3946G>T, p.Val1316Leu (NM_002977.4); short protein forms V1327L, V1316L.
Identifiers: ClinVar variation 2954519 (VCV002954519.3), dbSNP rs2468977340, ClinGen allele CA349064520.